The following is an entry in ClinVar:

NM_007332.3(TRPA1):c.2490G>A (p.Leu830=)

Genes: MSC-AS1 (MSC antisense RNA 1; plus strand), TRPA1 (transient receptor potential cation channel subfamily A member 1; minus strand). Cytogenetic location: 8q21.11.
Variant type: single nucleotide variant.
Coding change: c.2490G>A on transcript NM_007332.3 (MANE Select); coding-DNA position 2490, G replaced by A.
Protein change: p.Leu830=; no amino-acid change (leucine 830 retained).
Molecular consequence: synonymous variant.
Genome position (GRCh38, 1-based): chr8:72,036,353, C>T on the plus strand (G>A on the coding strand, the complement: TRPA1 is on the minus strand). VCF-style: chr8-72036353-C-T. GRCh37 (hg19) VCF-style: chr8-72948588-C-T.
Identifiers: ClinVar variation 3056632 (VCV003056632.2), dbSNP rs13280644, ClinGen allele CA4780499.

ClinVar aggregate classification (germline): Benign (0 of 4 stars; one submission).

Conditions:
TRPA1-related disorder. Also called: TRPA1-related condition.

Allele frequency attached by ClinVar (database versions not stated): 1000 Genomes Project 0.05012; 1000 Genomes Project 30x 0.05122; TOPMed 0.06629; gnomAD 0.06834; ESP Exome Variant Server 0.07066; ExAC 0.07759; gnomAD exomes 0.09220.
gnomAD v4.1: 144,933 of 1,613,898 alleles (9%); highest among the groups gnomAD compares: Middle Eastern, 13%; 7,458 homozygotes.

Submission:

PreventionGenetics, part of Exact Sciences
Classification: Benign for TRPA1-related condition. Last evaluated: 2019-10-28. Review status: no assertion criteria provided. Collection method: clinical testing. Allele origin: germline.
Comment: This variant is classified as benign based on ACMG/AMP sequence variant interpretation guidelines (Richards et al. 2015 PMID: 25741868, with internal and published modifications).